The following is an entry in ClinVar:

NM_001304438.2(TMEM132E):c.915C>T (p.Pro305=)

Gene: TMEM132E (transmembrane protein 132E; plus strand). Cytogenetic location: 17q12.
Variant type: single nucleotide variant.
Coding change: c.915C>T on transcript NM_001304438.2 (MANE Select); coding-DNA position 915, C replaced by T.
Protein change: p.Pro305=; no amino-acid change (proline 305 retained).
Molecular consequence: synonymous variant.
Genome position (GRCh38, 1-based): chr17:34,626,974, C>T. VCF-style: chr17-34626974-C-T. GRCh37 (hg19) VCF-style: chr17-32953993-C-T.
Identifiers: ClinVar variation 805612 (VCV000805612.34), dbSNP rs140315218, ClinGen allele CA8496511.

ClinVar aggregate classification (germline): Benign/Likely benign. Review status: criteria provided, multiple submitters, no conflicts (2 of 4 stars). 5 submissions from 5 submitters: Benign (2); Likely benign (2). 1 of the submissions does not count toward it. Last evaluated 2025-12-09.

Conditions:
TMEM132E-related disorder. Also called: TMEM132E-related condition.

Allele frequency attached by ClinVar (database versions not stated): 1000 Genomes Project 0.00100; 1000 Genomes Project 30x 0.00109; gnomAD 0.00124; TOPMed 0.00126; gnomAD exomes 0.00150; ESP Exome Variant Server 0.00154; ExAC 0.00177.
gnomAD v4.1: 3,377 of 1,613,938 alleles (0.21%); highest among the groups gnomAD compares: Non-Finnish European, 0.26%; 7 homozygotes.

Submissions (5):

Labcorp Genetics (formerly Invitae), Labcorp
Classification: Benign. Last evaluated: 2025-12-09. Review status: criteria provided, single submitter. Criteria: Invitae Variant Classification Sherloc (09022015). Collection method: clinical testing. Allele origin: germline.

Blueprint Genetics
Classification: Likely benign. Last evaluated: 2024-11-08. Review status: criteria provided, single submitter. Criteria: ACMG Guidelines, 2015. Collection method: clinical testing. Allele origin: germline.

CeGaT Center for Human Genetics Tuebingen
Classification: Likely benign. Last evaluated: 2022-09-01. Review status: criteria provided, single submitter. Criteria: CeGaT Center For Human Genetics Tuebingen Variant Classification Criteria Version 2. Collection method: clinical testing. Allele origin: germline. Affected: yes. Observed: 2 variant alleles.
Comment: TMEM132E: BP4, BP7

Athena Diagnostics
Classification: Benign. Last evaluated: 2019-02-15. Review status: criteria provided, single submitter. Criteria: Athena Diagnostics Criteria. Collection method: clinical testing. Allele origin: germline.

PreventionGenetics, part of Exact Sciences
Classification: Likely benign for TMEM132E-related condition. Last evaluated: 2019-07-18. Review status: no assertion criteria provided. Collection method: clinical testing. Allele origin: germline. Not counted in ClinVar's aggregate classification.
Comment: This variant is classified as likely benign based on ACMG/AMP sequence variant interpretation guidelines (Richards et al. 2015 PMID: 25741868, with internal and published modifications).